The following is an entry in ClinVar:

NM_031935.3(HMCN1):c.5808C>A (p.Asn1936Lys)

Gene: HMCN1 (hemicentin 1; plus strand). Cytogenetic location: 1q31.1.
Variant type: single nucleotide variant.
Coding change: c.5808C>A on transcript NM_031935.3 (MANE Select); coding-DNA position 5808, C replaced by A.
Protein change: p.Asn1936Lys; replaces asparagine 1936 with lysine.
Molecular consequence: missense variant.
Genome position (GRCh38, 1-based): chr1:186,037,992, C>A. VCF-style: chr1-186037992-C-A. GRCh37 (hg19) VCF-style: chr1-186007124-C-A.
Other names: short protein forms N1936K.
Identifiers: ClinVar variation 2784470 (VCV002784470.3), dbSNP rs1655948011, ClinGen allele CA343898081.

ClinVar aggregate classification (germline): Uncertain significance (1 of 4 stars; one submission).

Submission:

Labcorp Genetics (formerly Invitae), Labcorp
Classification: Uncertain significance. Last evaluated: 2022-11-24. Review status: criteria provided, single submitter. Criteria: Invitae Variant Classification Sherloc (09022015). Collection method: clinical testing. Allele origin: germline.
Comment: This sequence change replaces asparagine, which is neutral and polar, with lysine, which is basic and polar, at codon 1936 of the HMCN1 protein (p.Asn1936Lys). This variant is not present in population databases (gnomAD no frequency). This variant has not been reported in the literature in individuals affected with HMCN1-related conditions. Algorithms developed to predict the effect of missense changes on protein structure and function (SIFT, PolyPhen-2, Align-GVGD) all suggest that this variant is likely to be tolerated. In summary, the available evidence is currently insufficient to determine the role of this variant in disease. Therefore, it has been classified as a Variant of Uncertain Significance.